The following is an entry in ClinVar:

ClinVar aggregate classification (germline): Likely benign (0 of 4 stars; one submission).

Conditions:
SIPA1L3-related disorder. Also called: SIPA1L3-related condition.

Submission:

PreventionGenetics, part of Exact Sciences
Classification: Likely benign for SIPA1L3-related condition. Last evaluated: 2024-07-01. Review status: no assertion criteria provided. Collection method: clinical testing. Allele origin: germline.
Comment: This variant is classified as likely benign based on ACMG/AMP sequence variant interpretation guidelines (Richards et al. 2015 PMID: 25741868, with internal and published modifications).

NM_015073.3(SIPA1L3):c.1974C>T (p.Gly658=)

Gene: SIPA1L3 (signal induced proliferation associated 1 like 3; plus strand). Cytogenetic location: 19q13.13.
Variant type: single nucleotide variant.
Coding change: c.1974C>T on transcript NM_015073.3 (MANE Select); coding-DNA position 1974, C replaced by T.
Protein change: p.Gly658=; no amino-acid change (glycine 658 retained).
Molecular consequence: synonymous variant.
Genome position (GRCh38, 1-based): chr19:38,101,171, C>T. VCF-style: chr19-38101171-C-T. GRCh37 (hg19) VCF-style: chr19-38591811-C-T.
Identifiers: ClinVar variation 3352423 (VCV003352423.1).